The following is an entry in ClinVar:

NM_003049.4(SLC10A1):c.722_723del (p.Ser241fs)

Gene: SLC10A1 (solute carrier family 10 member 1; minus strand). Cytogenetic location: 14q24.1.
Variant type: Microsatellite.
Coding change: c.722_723del on transcript NM_003049.4 (MANE Select); coding-DNA positions 722 to 723, 2 bases deleted (CT; older notation c.722_723delCT).
Protein change: p.Ser241fs; shifts the reading frame from serine 241.
Molecular consequence: frameshift variant.
Genome position (GRCh38, 1-based): chr14:69,779,205-69,779,206, AG deleted on the plus strand (CT on the coding strand, the reverse complement: SLC10A1 is on the minus strand); deleting any 2 consecutive bases within chr14:69,779,205-69,779,211 gives the same sequence; the c. name uses the placement nearest the transcript's 3' end. VCF-style (leftmost placement, unchanged base first): chr14-69779204-CAG-C. GRCh37 (hg19) VCF-style: chr14-70245921-CAG-C.
Other names: short protein forms S241fs.
Identifiers: ClinVar variation 3029311 (VCV003029311.2), dbSNP rs760854159, ClinGen allele CA7246030.

ClinVar aggregate classification (germline): Uncertain significance (0 of 4 stars; one submission).

Conditions:
SLC10A1-related disorder. Also called: SLC10A1-related condition.

Submission:

PreventionGenetics, part of Exact Sciences
Classification: Uncertain significance for SLC10A1-related condition. Last evaluated: 2024-06-14. Review status: no assertion criteria provided. Collection method: clinical testing. Allele origin: germline.
Comment: The SLC10A1 c.722_723delCT variant is predicted to result in a frameshift and premature protein termination (p.Ser241Cysfs*36). To our knowledge, this variant has not been reported in the literature. This variant is reported in 0.060% of alleles in individuals of Latino descent in gnomAD. Although other premature protein termination variants have been reported in the SLC10A1 gene, to our knowledge all have been located upstream of this variant. Therefore, while we suspect that this variant may be pathogenic, at this time its clinical significance is uncertain due to the absence of conclusive functional and genetic evidence.